The following is an entry in ClinVar:

NM_001198800.3(ASCC1):c.904G>A (p.Gly302Ser)

Gene: ASCC1 (activating signal cointegrator 1 complex subunit 1; minus strand). Cytogenetic location: 10q22.1.
Variant type: single nucleotide variant.
Coding change: c.904G>A on transcript NM_001198800.3 (MANE Select); coding-DNA position 904, G replaced by A.
Protein change: p.Gly302Ser; replaces glycine 302 with serine.
Molecular consequence: missense variant. On other transcripts: non-coding transcript variant (1), intron variant (3).
Genome position (GRCh38, 1-based): chr10:72,128,135, C>T on the plus strand (G>A on the coding strand, the complement: ASCC1 is on the minus strand). VCF-style: chr10-72128135-C-T. GRCh37 (hg19) VCF-style: chr10-73887893-C-T.
Other names: c.904G>A, p.Gly302Ser (NM_001198798.2, NM_001369087.1, NM_001369088.1 and 10 more transcripts); c.988G>A, p.Gly330Ser (NM_001198799.3); c.970G>A, p.Gly324Ser (NM_001369085.1, NM_001369086.1); c.784G>A, p.Gly262Ser (NM_001369108.1, NM_001369109.1, NM_001369100.1 and 2 more transcripts); c.751+4922G>A (NM_001369112.1); c.871+4922G>A (NM_001369110.1, NM_001369111.1); c.850G>A, p.Gly284Ser (NM_001369099.1); c.787G>A, p.Gly263Ser (NM_001369101.1, NM_001369102.1, NM_001369105.1 and 2 more transcripts); short protein forms G263S, G330S, G324S, G262S, G284S, G302S.
Identifiers: ClinVar variation 2060389 (VCV002060389.5), dbSNP rs201646011, ClinGen allele CA5548879.

ClinVar aggregate classification (germline): Uncertain significance. Review status: criteria provided, multiple submitters, no conflicts (2 of 4 stars). 2 submissions from 2 submitters: Uncertain significance (2). Last evaluated 2022-06-27.

Conditions:
Inborn genetic diseases. Identifiers: MedGen C0950123, MeSH D030342.

Allele frequency attached by ClinVar (database versions not stated): TOPMed 0.00002; 1000 Genomes Project 0.00020; gnomAD exomes 0.00001; 1000 Genomes Project 30x 0.00031; gnomAD 0.00002; ExAC 0.00007.
gnomAD v4.1: 20 of 1,613,908 alleles (0.0012%); highest among the groups gnomAD compares: East Asian, 0.04%; no homozygotes.

Submissions (2):

Ambry Genetics
Classification: Uncertain significance for Inborn genetic diseases. Last evaluated: 2022-06-27. Review status: criteria provided, single submitter. Criteria: Ambry Variant Classification Scheme 2023. Collection method: clinical testing. Allele origin: germline.

Labcorp Genetics (formerly Invitae), Labcorp
Classification: Uncertain significance. Last evaluated: 2021-12-01. Review status: criteria provided, single submitter. Criteria: Invitae Variant Classification Sherloc (09022015). Collection method: clinical testing. Allele origin: germline.
Comment: This variant is present in population databases (rs201646011, gnomAD 0.09%). This sequence change replaces glycine, which is neutral and non-polar, with serine, which is neutral and polar, at codon 302 of the ASCC1 protein (p.Gly302Ser). This variant has not been reported in the literature in individuals affected with ASCC1-related conditions. In summary, the available evidence is currently insufficient to determine the role of this variant in disease. Therefore, it has been classified as a Variant of Uncertain Significance. Algorithms developed to predict the effect of missense changes on protein structure and function are either unavailable or do not agree on the potential impact of this missense change (SIFT: "Deleterious"; PolyPhen-2: "Benign"; Align-GVGD: "Class C0").